The following is an entry in ClinVar:

ClinVar aggregate classification (germline): Likely benign. Review status: criteria provided, multiple submitters, no conflicts (2 of 4 stars). 4 submissions from 4 submitters: Likely benign (3). 1 of the submissions does not count toward it. Last evaluated 2022-04-19.

Conditions:
Hereditary breast ovarian cancer syndrome. Also called: Hereditary breast and ovarian cancer syndrome (HBOC); Breast and ovarian cancer; BRCA1- and BRCA2-Associated Hereditary Breast and Ovarian Cancer; Hereditary breast and ovarian cancer syndrome; Hereditary breast and ovarian cancer; Hereditary breast and/or ovarian cancer syndrome. Identifiers: Orphanet 145, MedGen C0677776, MeSH D061325, MONDO:0003582. Disease mechanism: loss of function.
Ataxia-telangiectasia syndrome (AT). Also called: Ataxia telangiectasia (A-T); Ataxia-telangiectasia, complementation group D; Ataxia-telangiectasia, complementation group E; AT, COMPLEMENTATION GROUP C; Cerebello-oculocutaneous telangiectasia; Immunodeficiency with ataxia telangiectasia. Identifiers: Orphanet 100, MedGen C0004135, MONDO:0008840, OMIM 208900.

Allele frequency attached by ClinVar (database versions not stated): gnomAD exomes 0.00096; TOPMed 0.01169; 1000 Genomes Project 0.01298; 1000 Genomes Project 30x 0.01312; gnomAD 0.01043 and 0.01120.
gnomAD v4.1: 2,677 of 1,238,494 alleles (0.22%); highest among the groups gnomAD compares: African/African-American, 3.5%; 51 homozygotes.

Submissions (4):

National Health Laboratory Service, Universitas Academic Hospital and University of the Free State
Classification: Likely benign for Hereditary breast ovarian cancer syndrome. Last evaluated: 2022-04-19. Review status: criteria provided, single submitter. Criteria: ACMG Guidelines, 2015. Collection method: clinical testing. Allele origin: germline. Affected: yes. Observed: 6 variant alleles.

GeneDx
Classification: Likely benign. Last evaluated: 2018-06-18. Review status: criteria provided, single submitter. Criteria: GeneDx Variant Classification (06012015). Collection method: clinical testing. Allele origin: germline. Affected: yes.
Comment: This variant is considered likely benign or benign based on one or more of the following criteria: it is a conservative change, it occurs at a poorly conserved position in the protein, it is predicted to be benign by multiple in silico algorithms, and/or has population frequency not consistent with disease.

Breakthrough Genomics
Classification: Likely benign. Review status: criteria provided, single submitter. Criteria: ACMG Guidelines, 2015. Collection method: not provided. Allele origin: germline. Inheritance: Autosomal recessive inheritance. Affected: yes.

Natera, Inc.
Classification: Benign for Ataxia-telangiectasia. Last evaluated: 2019-10-18. Review status: no assertion criteria provided. Collection method: clinical testing. Allele origin: germline. Not counted in ClinVar's aggregate classification.

NM_000051.4(ATM):c.3402+70A>G

Gene: ATM (ATM serine/threonine kinase; plus strand). Cytogenetic location: 11q22.3.
Variant type: single nucleotide variant.
Coding change: c.3402+70A>G on transcript NM_000051.4 (MANE Select); 70 bases into the intron after coding-DNA position 3402, A replaced by G.
Molecular consequence: intron variant.
Genome position (GRCh38, 1-based): chr11:108,279,678, A>G. VCF-style: chr11-108279678-A-G. GRCh37 (hg19) VCF-style: chr11-108150405-A-G.
Other names: c.3402+70A>G (NM_001351834.2).
Identifiers: ClinVar variation 676000 (VCV000676000.4), dbSNP rs3218671, ClinGen allele CA228363697.